The following is an entry in ClinVar:

ClinVar aggregate classification (germline): Uncertain significance (1 of 4 stars; one submission).

Conditions:
KMT2D-related disorder. Also called: KMT2D-Related Disorders.

Submission:

PreventionGenetics, part of Exact Sciences
Classification: Uncertain significance for KMT2D-related condition. Last evaluated: 2025-09-19. Review status: criteria provided, single submitter. Criteria: ACMG Guidelines, 2015. Collection method: clinical testing. Allele origin: germline.
Comment: The KMT2D c.6781C>T variant is predicted to result in the amino acid substitution p.Pro2261Ser. To our knowledge, this variant has not been reported in the literature or in a large population database (gnomAD), indicating this variant is rare. At this time, the clinical significance of this variant is uncertain due to the absence of conclusive functional and genetic evidence.

NM_003482.4(KMT2D):c.6781C>T (p.Pro2261Ser)

Gene: KMT2D (lysine methyltransferase 2D; minus strand). Cytogenetic location: 12q13.12.
Variant type: single nucleotide variant.
Coding change: c.6781C>T on transcript NM_003482.4 (MANE Select); coding-DNA position 6781, C replaced by T.
Protein change: p.Pro2261Ser; replaces proline 2261 with serine.
Molecular consequence: missense variant.
Genome position (GRCh38, 1-based): chr12:49,040,989, G>A on the plus strand (C>T on the coding strand, the complement: KMT2D is on the minus strand). VCF-style: chr12-49040989-G-A. GRCh37 (hg19) VCF-style: chr12-49434772-G-A.
Other names: short protein forms P2261S.
Identifiers: ClinVar variation 4999590 (VCV004999590.1).